The following is an entry in ClinVar:

ClinVar aggregate classification (germline): Likely benign. Review status: reviewed by expert panel (3 of 4 stars). 3 submissions from 3 submitters: Likely benign (1). 2 of the submissions do not count toward it. Last evaluated 2017-06-29.

Conditions:
Hereditary breast ovarian cancer syndrome. Also called: Hereditary breast and ovarian cancer syndrome (HBOC); BRCA1- and BRCA2-Associated Hereditary Breast and Ovarian Cancer; Hereditary breast and/or ovarian cancer syndrome; Hereditary breast and ovarian cancer syndrome; Hereditary breast and ovarian cancer; Breast and ovarian cancer. Identifiers: Orphanet 145, MedGen C0677776, MeSH D061325, MONDO:0003582. Disease mechanism: loss of function.
Hereditary cancer-predisposing syndrome. Also called: Neoplastic Syndromes, Hereditary; Hereditary neoplastic syndrome; Tumor predisposition; Hereditary Cancer Syndrome. Identifiers: Orphanet 140162, MedGen C0027672, MeSH D009386, MONDO:0015356.
Breast-ovarian cancer, familial, susceptibility to, 1 (BROVCA1). Also called: BRCA1 Hereditary Breast and Ovarian Cancer; OVARIAN CANCER, SUSCEPTIBILITY TO. Identifiers: Orphanet 145, MedGen C2676676, MONDO:0011450, OMIM 604370. Disease mechanism: loss of function.

Submissions (3):

Evidence-based Network for the Interpretation of Germline Mutant Alleles (ENIGMA)
Classification: Likely benign for Breast-ovarian cancer, familial, susceptibility to, 1. Last evaluated: 2017-06-29. Review status: reviewed by expert panel. Criteria: ENIGMA BRCA1/2 Classification Criteria (2017-06-29). Collection method: curation. Allele origin: germline.
Comment: Synonymous substitution variant, with low bioinformatic likelihood to result in a splicing aberration (Splicing prior probability 0.02).

Labcorp Genetics (formerly Invitae), Labcorp
Classification: Likely benign for Hereditary breast ovarian cancer syndrome. Last evaluated: 2024-09-18. Review status: criteria provided, single submitter. Criteria: Invitae Variant Classification Sherloc (09022015). Collection method: clinical testing. Allele origin: germline. Not counted in ClinVar's aggregate classification.

Ambry Genetics
Classification: Likely benign for Hereditary cancer-predisposing syndrome. Last evaluated: 2023-05-28. Review status: criteria provided, single submitter. Criteria: Ambry Variant Classification Scheme 2023. Collection method: clinical testing. Allele origin: germline. Not counted in ClinVar's aggregate classification.

NM_007294.4(BRCA1):c.4311T>C (p.Ser1437=)

Gene: BRCA1 (BRCA1 DNA repair associated; minus strand). Cytogenetic location: 17q21.31.
Variant type: single nucleotide variant.
Coding change: c.4311T>C on transcript NM_007294.4 (MANE Select); coding-DNA position 4311, T replaced by C.
Protein change: p.Ser1437=; no amino-acid change (serine 1437 retained).
Molecular consequence: synonymous variant.
Genome position (GRCh38, 1-based): chr17:43,082,450, A>G on the plus strand (T>C on the coding strand, the complement: BRCA1 is on the minus strand). VCF-style: chr17-43082450-A-G. GRCh37 (hg19) VCF-style: chr17-41234467-A-G.
Other names: c.4101T>C, p.Ser1367= (NM_001407904.1, NM_001407906.1, NM_001407879.1 and 9 more transcripts); c.4098T>C, p.Ser1366= (NM_001407907.1, NM_001407908.1, NM_001407909.1 and 12 more transcripts); c.4095T>C, p.Ser1365= (NM_001407915.1); c.4188T>C, p.Ser1396= (NM_001407919.1, NM_001407937.1, NM_001407938.1 and 13 more transcripts); c.4047T>C, p.Ser1349= (NM_001407920.1, NM_001407921.1, NM_001407922.1 and 7 more transcripts); c.4044T>C, p.Ser1348= (NM_001407930.1, NM_001407931.1, NM_001407932.1 and 3 more transcripts); c.4041T>C, p.Ser1347= (NM_001407934.1); c.4185T>C, p.Ser1395= (NM_001407940.1, NM_001407941.1, NM_001407649.1 and 12 more transcripts); and 51 more.
Identifiers: ClinVar variation 427282 (VCV000427282.15), dbSNP rs1131692092, ClinGen allele CA500148372.